The following is an entry in ClinVar:

NM_005560.6(LAMA5):c.8955+4C>T

Gene: LAMA5 (laminin subunit alpha 5; minus strand). Cytogenetic location: 20q13.33.
Variant type: single nucleotide variant.
Coding change: c.8955+4C>T on transcript NM_005560.6 (MANE Select); 4 bases into the intron after coding-DNA position 8955, C replaced by T.
Molecular consequence: intron variant.
Genome position (GRCh38, 1-based): chr20:62,313,084, G>A on the plus strand (C>T on the coding strand, the complement: LAMA5 is on the minus strand). VCF-style: chr20-62313084-G-A. GRCh37 (hg19) VCF-style: chr20-60888140-G-A.
Identifiers: ClinVar variation 2064475 (VCV002064475.3), dbSNP rs367620860, ClinGen allele CA9940502.

ClinVar aggregate classification (germline): Uncertain significance (1 of 4 stars; one submission).

Allele frequency attached by ClinVar (database versions not stated): gnomAD exomes 0.00004; ExAC 0.00012; ESP Exome Variant Server 0.00015; TOPMed 0.00032; gnomAD 0.00033; 1000 Genomes Project 0.00060; 1000 Genomes Project 30x 0.00078.
gnomAD v4.1: 107 of 1,608,680 alleles (0.0067%); highest among the groups gnomAD compares: African/African-American, 0.12%; no homozygotes.

Submission:

Labcorp Genetics (formerly Invitae), Labcorp
Classification: Uncertain significance. Last evaluated: 2023-10-18. Review status: criteria provided, single submitter. Criteria: Invitae Variant Classification Sherloc (09022015). Collection method: clinical testing. Allele origin: germline.
Comment: This sequence change falls in intron 65 of the LAMA5 gene. It does not directly change the encoded amino acid sequence of the LAMA5 protein. It affects a nucleotide within the consensus splice site. This variant is present in population databases (rs367620860, gnomAD 0.1%). This variant has not been reported in the literature in individuals affected with LAMA5-related conditions. ClinVar contains an entry for this variant (Variation ID: 2064475). Variants that disrupt the consensus splice site are a relatively common cause of aberrant splicing (PMID: 17576681, 9536098). Algorithms developed to predict the effect of sequence changes on RNA splicing suggest that this variant is not likely to affect RNA splicing. In summary, the available evidence is currently insufficient to determine the role of this variant in disease. Therefore, it has been classified as a Variant of Uncertain Significance.

Literature cited by the submitters: PubMed 17576681; PubMed 9536098.